The following is an entry in ClinVar:

ClinVar aggregate classification (germline): Uncertain significance. Review status: criteria provided, multiple submitters, no conflicts (2 of 4 stars). 2 submissions from 2 submitters: Uncertain significance (2). Last evaluated 2025-07-21.

Conditions:
Inborn genetic diseases. Identifiers: MedGen C0950123, MeSH D030342.

Allele frequency attached by ClinVar (database versions not stated): ExAC 0.00002; TOPMed 0.00002.

Submissions (2):

Labcorp Genetics (formerly Invitae), Labcorp
Classification: Uncertain significance. Last evaluated: 2025-07-21. Review status: criteria provided, single submitter. Criteria: Invitae Variant Classification Sherloc (09022015). Collection method: clinical testing. Allele origin: germline.
Comment: This sequence change replaces histidine, which is basic and polar, with tyrosine, which is neutral and polar, at codon 65 of the FASTKD2 protein (p.His65Tyr). This variant is present in population databases (rs750218375, gnomAD 0.02%). This variant has not been reported in the literature in individuals affected with FASTKD2-related conditions. ClinVar contains an entry for this variant (Variation ID: 1988686). An algorithm developed to predict the effect of missense changes on protein structure and function (PolyPhen-2) suggests that this variant is likely to be tolerated. In summary, the available evidence is currently insufficient to determine the role of this variant in disease. Therefore, it has been classified as a Variant of Uncertain Significance.

Ambry Genetics
Classification: Uncertain significance for Inborn genetic diseases. Last evaluated: 2025-06-29. Review status: criteria provided, single submitter. Criteria: Ambry Variant Classification Scheme 2023. Collection method: clinical testing. Allele origin: germline.

NM_001136193.2(FASTKD2):c.193C>T (p.His65Tyr)

Gene: FASTKD2 (FAST kinase domains 2; plus strand). Cytogenetic location: 2q33.3.
Variant type: single nucleotide variant.
Coding change: c.193C>T on transcript NM_001136193.2 (MANE Select); coding-DNA position 193, C replaced by T.
Protein change: p.His65Tyr; replaces histidine 65 with tyrosine.
Molecular consequence: missense variant.
Genome position (GRCh38, 1-based): chr2:206,766,886, C>T. VCF-style: chr2-206766886-C-T. GRCh37 (hg19) VCF-style: chr2-207631610-C-T.
Other names: c.193C>T (NM_014929.3); c.193C>T, p.His65Tyr (NM_001136194.2, NM_014929.4); short protein forms H65Y.
Identifiers: ClinVar variation 1988686 (VCV001988686.5), dbSNP rs750218375, ClinGen allele CA2074840.